The following is an entry in ClinVar:

NM_001371623.1(TCOF1):c.3658T>C (p.Ser1220Pro)

Gene: TCOF1 (treacle ribosome biogenesis factor 1; plus strand). Cytogenetic location: 5q32.
Variant type: single nucleotide variant.
Coding change: c.3658T>C on transcript NM_001371623.1 (MANE Select); coding-DNA position 3658, T replaced by C.
Protein change: p.Ser1220Pro; replaces serine 1220 with proline.
Molecular consequence: missense variant.
Genome position (GRCh38, 1-based): chr5:150,393,426, T>C. VCF-style: chr5-150393426-T-C. GRCh37 (hg19) VCF-style: chr5-149772989-T-C.
Other names: c.3424T>C, p.Ser1142Pro (NM_000356.4); c.3655T>C, p.Ser1219Pro (NM_001135243.2); c.3544T>C, p.Ser1182Pro (NM_001135244.2); c.3427T>C, p.Ser1143Pro (NM_001135245.2); c.3541T>C, p.Ser1181Pro (NM_001195141.2); c.3655T>C (NM_001135243.1); short protein forms S1143P, S1219P, S1220P, S1142P, S1181P, S1182P.
Identifiers: ClinVar variation 2047883 (VCV002047883.5), dbSNP rs746397186, ClinGen allele CA3511572.

ClinVar aggregate classification (germline): Uncertain significance. Review status: criteria provided, multiple submitters, no conflicts (2 of 4 stars). 2 submissions from 2 submitters: Uncertain significance (2). Last evaluated 2025-08-19.

Conditions:
Treacher Collins syndrome 1 (TCS1). Also called: TCOF1-Related Treacher Collins Syndrome. Identifiers: Orphanet 861, MedGen CN315775, MONDO:0007944, OMIM 154500.
Inborn genetic diseases. Identifiers: MedGen C0950123, MeSH D030342.

Allele frequency attached by ClinVar (database versions not stated): ExAC 0.00002; TOPMed 0.00004; gnomAD 0.00006; gnomAD exomes 0.00009.
gnomAD v4.1: 141 of 1,613,944 alleles (0.0087%); highest among the groups gnomAD compares: Non-Finnish European, 0.011%; no homozygotes.

Submissions (2):

Ambry Genetics
Classification: Uncertain significance for Inborn genetic diseases. Last evaluated: 2025-08-19. Review status: criteria provided, single submitter. Criteria: Ambry Variant Classification Scheme 2023. Collection method: clinical testing. Allele origin: germline.

Labcorp Genetics (formerly Invitae), Labcorp
Classification: Uncertain significance for Treacher Collins syndrome 1. Last evaluated: 2023-04-28. Review status: criteria provided, single submitter. Criteria: Invitae Variant Classification Sherloc (09022015). Collection method: clinical testing. Allele origin: germline.
Comment: An algorithm developed to predict the effect of missense changes on protein structure and function (PolyPhen-2) suggests that this variant is likely to be disruptive. In summary, the available evidence is currently insufficient to determine the role of this variant in disease. Therefore, it has been classified as a Variant of Uncertain Significance. ClinVar contains an entry for this variant (Variation ID: 2047883). This variant has not been reported in the literature in individuals affected with TCOF1-related conditions. This variant is present in population databases (rs746397186, gnomAD 0.008%). This sequence change replaces serine, which is neutral and polar, with proline, which is neutral and non-polar, at codon 1219 of the TCOF1 protein (p.Ser1219Pro).